The following is an entry in ClinVar:

NM_015272.5(RPGRIP1L):c.2958+2T>C

Gene: RPGRIP1L (RPGRIP1 like; minus strand). Cytogenetic location: 16q12.2.
Variant type: single nucleotide variant.
Coding change: c.2958+2T>C on transcript NM_015272.5 (MANE Select); the canonical splice donor site of the intron after coding-DNA position 2958, T replaced by C.
Molecular consequence: splice donor variant.
Genome position (GRCh38, 1-based): chr16:53,641,031, A>G on the plus strand (T>C on the coding strand, the complement: RPGRIP1L is on the minus strand). VCF-style: chr16-53641031-A-G. GRCh37 (hg19) VCF-style: chr16-53674943-A-G.
Other names: c.2958+2T>C (NM_001127897.4, NM_001330538.2, NM_001308334.3 and 1 more transcripts).
Identifiers: ClinVar variation 4929957 (VCV004929957.2).

ClinVar aggregate classification (germline): Likely pathogenic. Review status: criteria provided, multiple submitters, no conflicts (2 of 4 stars). 3 submissions from 3 submitters: Likely pathogenic (3). Last evaluated 2026-07-20.

Conditions:
Fetal anomalies with a likely genetic cause.
RPGRIP1L-related disorder. Also called: RPGRIP1L-related disorders; RPGRIP1L-related condition. Identifiers: MedGen CN239416.

gnomAD v4.1: 1 of 1,599,280 alleles (0.000063%); highest among the groups gnomAD compares: Non-Finnish European, 0.000086%; no homozygotes.

Submissions (3):

Genetics Laboratory, Great Ormond Street Hospital NHS Foundation Trust, North Thames Genomic Laboratory Hub
Classification: Likely pathogenic for Fetal anomalies with a likely genetic cause. Last evaluated: 2026-07-20. Review status: criteria provided, single submitter. Criteria: ACGS Best Practice Guidelines for Variant Classification in Rare Disease 2024 v1.2. Collection method: clinical testing. Allele origin: germline. Affected: yes.
Comment: PM2_moderate, PVS1_strong

PreventionGenetics, part of Exact Sciences
Classification: Likely pathogenic for RPGRIP1L-related condition. Last evaluated: 2025-11-18. Review status: criteria provided, single submitter. Criteria: ACMG Guidelines, 2015. Collection method: clinical testing. Allele origin: germline.
Comment: The RPGRIP1L c.2958+2T>C variant is predicted to disrupt the GT donor site and interfere with normal splicing. To our knowledge, this variant has not been reported in the literature or in a large population database (gnomAD), indicating this variant is rare. Variants that disrupt the consensus splice donor site in RPGRIP1L are expected to be pathogenic. This variant is interpreted as likely pathogenic.

Blueprint Genetics
Classification: Likely pathogenic for RPGRIP1L-related disorders. Last evaluated: 2021-09-15. Review status: criteria provided, single submitter. Criteria: ACMG Guidelines, 2015. Collection method: clinical testing. Allele origin: germline. Affected: yes. Observed: 1 variant allele.